The following is an entry in ClinVar:

NM_003560.4(PLA2G6):c.1573G>A (p.Ala525Thr)

Gene: PLA2G6 (phospholipase A2 group VI; minus strand). Cytogenetic location: 22q13.1.
Variant type: single nucleotide variant.
Coding change: c.1573G>A on transcript NM_003560.4 (MANE Select); coding-DNA position 1573, G replaced by A.
Protein change: p.Ala525Thr; replaces alanine 525 with threonine.
Molecular consequence: missense variant.
Genome position (GRCh38, 1-based): chr22:38,123,113, C>T on the plus strand (G>A on the coding strand, the complement: PLA2G6 is on the minus strand). VCF-style: chr22-38123113-C-T. GRCh37 (hg19) VCF-style: chr22-38519120-C-T.
Other names: c.1411G>A, p.Ala471Thr (NM_001004426.3, NM_001199562.3, NM_001349865.2 and 1 more transcripts); c.1573G>A, p.Ala525Thr (NM_001349864.2); c.1039G>A, p.Ala347Thr (NM_001349867.2); c.895G>A, p.Ala299Thr (NM_001349868.2); c.877G>A, p.Ala293Thr (NM_001349869.2); short protein forms A525T, A471T, A299T, A347T, A293T.
Identifiers: ClinVar variation 159735 (VCV000159735.9), dbSNP rs587784334, ClinGen allele CA173211.

ClinVar aggregate classification (germline): Uncertain significance. Review status: criteria provided, multiple submitters, no conflicts (2 of 4 stars). 2 submissions from 2 submitters: Uncertain significance (2). Last evaluated 2026-10-05.

Conditions:
Iron accumulation in brain. Identifiers: MedGen C4021076, HP:0012675.

Allele frequency attached by ClinVar (database versions not stated): TOPMed below 0.00001; gnomAD exomes 0.00007; gnomAD 0.00001.
gnomAD v4.1: 41 of 1,549,300 alleles (0.0026%); highest among the groups gnomAD compares: South Asian, 0.045%; 2 homozygotes.

Submissions (2):

GeneDx
Classification: Uncertain significance. Last evaluated: 2026-10-05. Review status: criteria provided, single submitter. Criteria: GeneDx Variant Classification Process June 2021. Collection method: clinical testing. Allele origin: germline.
Comment: Observed in the heterozygous state in an individual with Parkinson's disease who also had a homozygous variant in the PRKN gene (PMID: 32707456); In silico analysis supports that this missense variant has a deleterious effect on protein structure/function; Also known as p.A471T; This variant is associated with the following publications: (PMID: Kousi[thesis]2011, 32707456, 40335451)

Genetic Services Laboratory, University of Chicago
Classification: Uncertain significance for iron accumulation in brain. Last evaluated: 2013-02-08. Review status: criteria provided, single submitter. Criteria: ACMG Guidelines, 2007. Collection method: clinical testing. Allele origin: germline. Inheritance: Autosomal recessive inheritance.